The following is an entry in ClinVar:

ClinVar aggregate classification (germline): Pathogenic (1 of 4 stars; one submission).

Submission:

Labcorp Genetics (formerly Invitae), Labcorp
Classification: Pathogenic. Last evaluated: 2025-12-09. Review status: criteria provided, single submitter. Criteria: Invitae Variant Classification Sherloc (09022015). Collection method: clinical testing. Allele origin: germline.
Comment: This sequence change affects a donor splice site in intron 36 of the CACNA1F gene. It is expected to disrupt RNA splicing. Variants that disrupt the donor or acceptor splice site typically lead to a loss of protein function (PMID: 16199547), and loss-of-function variants in CACNA1F are known to be pathogenic (PMID: 9662399, 11281458, 17525176, 22194652, 24124559, 26992781). This variant is not present in population databases (gnomAD no frequency). Disruption of this splice site has been observed in individuals with congenital stationary night blindness (internal data). It has also been observed to segregate with disease in related individuals. ClinVar contains an entry for this variant (Variation ID: 1454620). Algorithms developed to predict the effect of sequence changes on RNA splicing suggest that this variant may disrupt the consensus splice site. For these reasons, this variant has been classified as Pathogenic.

Literature cited by the submitters: PubMed 16199547; PubMed 9662399; PubMed 11281458; PubMed 17525176; PubMed 22194652; PubMed 24124559; PubMed 26992781.

NM_001256789.3(CACNA1F):c.4260+1G>A

Gene: CACNA1F (calcium voltage-gated channel subunit alpha1 F; minus strand). Cytogenetic location: Xp11.23.
Variant type: single nucleotide variant.
Coding change: c.4260+1G>A on transcript NM_001256789.3 (MANE Select); the canonical splice donor site of the intron after coding-DNA position 4260, G replaced by A.
Molecular consequence: splice donor variant.
Genome position (GRCh38, 1-based): chrX:49,211,321, C>T on the plus strand (G>A on the coding strand, the complement: CACNA1F is on the minus strand). VCF-style: chrX-49211321-C-T. GRCh37 (hg19) VCF-style: chrX-49067781-C-T.
Other names: c.4293+1G>A (NM_005183.4); c.4098+1G>A (NM_001256790.3).
Identifiers: ClinVar variation 1454620 (VCV001454620.4), dbSNP rs2147897025, ClinGen allele CA412961450.